The following is an entry in ClinVar:

NM_000093.5(COL5A1):c.5399T>C (p.Leu1800Pro)

Genes: COL5A1 (collagen type V alpha 1 chain; plus strand), LOC101448202 (uncharacterized LOC101448202; minus strand). Cytogenetic location: 9q34.3.
Variant type: single nucleotide variant.
Coding change: c.5399T>C on transcript NM_000093.5 (MANE Select); coding-DNA position 5399, T replaced by C.
Protein change: p.Leu1800Pro; replaces leucine 1800 with proline.
Molecular consequence: missense variant.
Genome position (GRCh38, 1-based): chr9:134,842,185, T>C. VCF-style: chr9-134842185-T-C. GRCh37 (hg19) VCF-style: chr9-137734031-T-C.
Other names: c.5399T>C, p.Leu1800Pro (NM_001278074.1); short protein forms L1800P.
Identifiers: ClinVar variation 3495567 (VCV003495567.1).

ClinVar aggregate classification (germline): Uncertain significance (1 of 4 stars; one submission).

Conditions:
Familial thoracic aortic aneurysm and aortic dissection (TAAD). Also called: Thoracic aortic aneurysms and dissections. Identifiers: Orphanet 91387, MedGen C4707243, MONDO:0019625.

Submission:

Ambry Genetics
Classification: Uncertain significance for Familial thoracic aortic aneurysm and aortic dissection. Last evaluated: 2024-10-31. Review status: criteria provided, single submitter. Criteria: Ambry Variant Classification Scheme 2023. Collection method: clinical testing. Allele origin: germline.
Comment: The c.5399T>C (p.L1800P) alteration is located in exon 66 (coding exon 66) of the COL5A1 gene. This alteration results from a T to C substitution at nucleotide position 5399, causing the leucine (L) at amino acid position 1800 to be replaced by a proline (P). This variant was not reported in population-based cohorts in the Genome Aggregation Database (gnomAD). This amino acid position is highly conserved in available vertebrate species. This alteration is predicted to be deleterious by in silico analysis. Based on insufficient or conflicting evidence, the clinical significance of this alteration remains unclear.